The following is an entry in ClinVar:

ClinVar aggregate classification (germline): Uncertain significance. Review status: criteria provided, multiple submitters, no conflicts (2 of 4 stars). 3 submissions from 3 submitters: Uncertain significance (3). Last evaluated 2025-09-29.

Conditions:
Inborn genetic diseases. Identifiers: MedGen C0950123, MeSH D030342.

Submissions (3):

Labcorp Genetics (formerly Invitae), Labcorp
Classification: Uncertain significance. Last evaluated: 2025-09-29. Review status: criteria provided, single submitter. Criteria: Invitae Variant Classification Sherloc (09022015). Collection method: clinical testing. Allele origin: germline.
Comment: This sequence change replaces isoleucine, which is neutral and non-polar, with threonine, which is neutral and polar, at codon 67 of the SAMD9 protein (p.Ile67Thr). This variant is present in population databases (no rsID available, gnomAD 0.01%). This variant has not been reported in the literature in individuals affected with SAMD9-related conditions. ClinVar contains an entry for this variant (Variation ID: 3792153). Invitae Evidence Modeling of protein sequence and biophysical properties (such as structural, functional, and spatial information, amino acid conservation, physicochemical variation, residue mobility, and thermodynamic stability) has been performed for this missense variant. However, the output from this modeling did not meet the statistical confidence thresholds required to predict the impact of this variant on SAMD9 protein function. In summary, the available evidence is currently insufficient to determine the role of this variant in disease. Therefore, it has been classified as a Variant of Uncertain Significance.

Ambry Genetics
Classification: Uncertain significance for Inborn genetic diseases. Last evaluated: 2025-03-07. Review status: criteria provided, single submitter. Criteria: Ambry Variant Classification Scheme 2023. Collection method: clinical testing. Allele origin: germline.
Comment: The p.I67T variant (also known as c.200T>C), located in coding exon 1 of the SAMD9 gene, results from a T to C substitution at nucleotide position 200. The isoleucine at codon 67 is replaced by threonine, an amino acid with similar properties. This amino acid position is conserved. In addition, the in silico prediction for this alteration is inconclusive. Based on the available evidence, the clinical significance of this variant remains unclear.

Blueprint Genetics
Classification: Uncertain significance. Last evaluated: 2021-01-14. Review status: criteria provided, single submitter. Criteria: ACMG Guidelines, 2015. Collection method: clinical testing. Allele origin: germline.

NM_017654.4(SAMD9):c.200T>C (p.Ile67Thr)

Gene: SAMD9 (sterile alpha motif domain containing 9; minus strand). Cytogenetic location: 7q21.2.
Variant type: single nucleotide variant.
Coding change: c.200T>C on transcript NM_017654.4 (MANE Select); coding-DNA position 200, T replaced by C.
Protein change: p.Ile67Thr; replaces isoleucine 67 with threonine.
Molecular consequence: missense variant.
Genome position (GRCh38, 1-based): chr7:93,105,898, A>G on the plus strand (T>C on the coding strand, the complement: SAMD9 is on the minus strand). VCF-style: chr7-93105898-A-G. GRCh37 (hg19) VCF-style: chr7-92735211-A-G.
Other names: c.200T>C, p.Ile67Thr (NM_001193307.2); short protein forms I67T.
Identifiers: ClinVar variation 3792153 (VCV003792153.3).
Genomic context (GRCh38, chr7:93,105,898, plus strand): 5'-TTAGATGTCTGAATCGAATCTTCAATGGCTGTTTTCCGCAATTCTTTGAATAGTTCTTCT[A>G]TTTGAATAGCTGGTCCATGTGTGATGCCCATATCAACAAGATGTTCTTTTTTTAACCACT-3'
Protein context (NP_060124.2, residues 57-77): MGITHGPAIQ[Ile67Thr]EELFKELRKT